The following is an entry in ClinVar:

ClinVar aggregate classification (germline): Uncertain significance. Review status: criteria provided, multiple submitters, no conflicts (2 of 4 stars). 5 submissions from 5 submitters: Uncertain significance (4). 1 of the submissions does not count toward it. Last evaluated 2024-06-20.

Conditions:
Inborn genetic diseases. Identifiers: MedGen C0950123, MeSH D030342.
Bilateral frontoparietal polymicrogyria. Also called: CEREBELLAR ATAXIA WITH NEURONAL MIGRATION DEFECT; CORTICAL DYSPLASIA, COMPLEX, WITH OTHER BRAIN MALFORMATIONS 14A (BILATERAL FRONTOPARIETAL). Identifiers: Orphanet 101070, MedGen C1847352, MONDO:0011738, OMIM 606854.

Allele frequency attached by ClinVar (database versions not stated): TOPMed 0.00026.
gnomAD v4.1: 97 of 1,613,948 alleles (0.006%); highest among the groups gnomAD compares: Admixed American, 0.047%; no homozygotes.

Submissions (5):

Labcorp Genetics (formerly Invitae), Labcorp
Classification: Uncertain significance. Last evaluated: 2024-06-20. Review status: criteria provided, single submitter. Criteria: Invitae Variant Classification Sherloc (09022015). Collection method: clinical testing. Allele origin: germline.
Comment: This sequence change replaces serine, which is neutral and polar, with tryptophan, which is neutral and slightly polar, at codon 214 of the ADGRG1 protein (p.Ser214Trp). This variant is present in population databases (rs114515505, gnomAD 0.03%). This variant has not been reported in the literature in individuals affected with ADGRG1-related conditions. ClinVar contains an entry for this variant (Variation ID: 596586). Advanced modeling of protein sequence and biophysical properties (such as structural, functional, and spatial information, amino acid conservation, physicochemical variation, residue mobility, and thermodynamic stability) has been performed at Invitae for this missense variant, however the output from this modeling did not meet the statistical confidence thresholds required to predict the impact of this variant on ADGRG1 protein function. In summary, the available evidence is currently insufficient to determine the role of this variant in disease. Therefore, it has been classified as a Variant of Uncertain Significance.

Ambry Genetics
Classification: Uncertain significance for Inborn genetic diseases. Last evaluated: 2024-06-02. Review status: criteria provided, single submitter. Criteria: Ambry Variant Classification Scheme 2023. Collection method: clinical testing. Allele origin: germline.

Eurofins Ntd Llc (ga)
Classification: Uncertain significance. Last evaluated: 2018-03-15. Review status: criteria provided, single submitter. Criteria: EGL ClinVar v180209 classification definitions. Collection method: clinical testing. Allele origin: germline. Observed: 1 variant allele, 1 heterozygote.

Breakthrough Genomics
Classification: Uncertain significance. Review status: criteria provided, single submitter. Criteria: ACMG Guidelines, 2015. Collection method: not provided. Allele origin: germline. Inheritance: Autosomal recessive inheritance. Affected: yes.

Natera, Inc.
Classification: Uncertain significance for Bilateral frontoparietal polymicrogyria. Last evaluated: 2020-08-13. Review status: no assertion criteria provided. Collection method: clinical testing. Allele origin: germline. Not counted in ClinVar's aggregate classification.

NM_201525.4(ADGRG1):c.641C>G (p.Ser214Trp)

Gene: ADGRG1 (adhesion G protein-coupled receptor G1; plus strand). Cytogenetic location: 16q21.
Variant type: single nucleotide variant.
Coding change: c.641C>G on transcript NM_201525.4 (MANE Select); coding-DNA position 641, C replaced by G.
Protein change: p.Ser214Trp; replaces serine 214 with tryptophan.
Molecular consequence: missense variant.
Genome position (GRCh38, 1-based): chr16:57,654,006, C>G. VCF-style: chr16-57654006-C-G. GRCh37 (hg19) VCF-style: chr16-57687918-C-G.
Other names: c.641C>G, p.Ser214Trp (NM_001145770.3, NM_001145771.3, NM_001145772.3 and 16 more transcripts); c.656C>G, p.Ser219Trp (NM_001145773.3, NM_001370433.1); c.131C>G, p.Ser44Trp (NM_001290142.2); c.116C>G, p.Ser39Trp (NM_001290143.2, NM_001290144.2, NM_001370451.1 and 2 more transcripts); c.485C>G, p.Ser162Trp (NM_001370442.1); c.641C>G (NM_005682.5); short protein forms S214W, S219W, S39W, S162W, S44W.
Identifiers: ClinVar variation 596586 (VCV000596586.11), dbSNP rs114515505, ClinGen allele CA8078468.